The following is an entry in ClinVar:

ClinVar aggregate classification (germline): Uncertain significance (1 of 4 stars; one submission).

Conditions:
Focal segmental glomerulosclerosis 5 (FSGS5). Identifiers: Orphanet 656, MedGen C2750475, MONDO:0013191, OMIM 613237.
Charcot-Marie-Tooth disease dominant intermediate E. Also called: CHARCOT-MARIE-TOOTH NEUROPATHY WITH FOCAL SEGMENTAL GLOMERULONEPHRITIS. Identifiers: Orphanet 93114, MedGen C4302667, MONDO:0013758, OMIM 614455.

gnomAD v4.1: 8 of 1,610,232 alleles (0.0005%); highest among the groups gnomAD compares: Admixed American, 0.0017%; no homozygotes.

Submission:

Labcorp Genetics (formerly Invitae), Labcorp
Classification: Uncertain significance for Charcot-Marie-Tooth disease dominant intermediate E; Focal segmental glomerulosclerosis 5. Last evaluated: 2024-01-22. Review status: criteria provided, single submitter. Criteria: Invitae Variant Classification Sherloc (09022015). Collection method: clinical testing. Allele origin: germline.
Comment: This sequence change replaces glutamic acid, which is acidic and polar, with lysine, which is basic and polar, at codon 684 of the INF2 protein (p.Glu684Lys). This variant is present in population databases (no rsID available, gnomAD 0.003%). This variant has not been reported in the literature in individuals affected with INF2-related conditions. Experimental studies and prediction algorithms are not available or were not evaluated, and the functional significance of this variant is currently unknown. In summary, the available evidence is currently insufficient to determine the role of this variant in disease. Therefore, it has been classified as a Variant of Uncertain Significance.

NM_022489.4(INF2):c.2050G>A (p.Glu684Lys)

Gene: INF2 (inverted formin 2; plus strand). Cytogenetic location: 14q32.33.
Variant type: single nucleotide variant.
Coding change: c.2050G>A on transcript NM_022489.4 (MANE Select); coding-DNA position 2050, G replaced by A.
Protein change: p.Glu684Lys; replaces glutamic acid 684 with lysine.
Molecular consequence: missense variant.
Genome position (GRCh38, 1-based): chr14:104,709,381, G>A. VCF-style: chr14-104709381-G-A. GRCh37 (hg19) VCF-style: chr14-105175718-G-A.
Other names: c.2050G>A, p.Glu684Lys (NM_001031714.4, NM_001426862.1, NM_001426863.1 and 2 more transcripts); short protein forms E684K.
Identifiers: ClinVar variation 2932296 (VCV002932296.3), dbSNP rs770166116, ClinGen allele CA391219787.